The following is an entry in ClinVar:

ClinVar aggregate classification (germline): Uncertain significance (1 of 4 stars; one submission).

gnomAD v4.1: 7 of 1,610,736 alleles (0.00043%); highest among the groups gnomAD compares: African/African-American, 0.0093%; no homozygotes.

Submission:

GeneDx
Classification: Uncertain significance. Last evaluated: 2026-08-06. Review status: criteria provided, single submitter. Criteria: GeneDx Variant Classification Process June 2021. Collection method: clinical testing. Allele origin: germline.
Comment: Not observed at significant frequency in large population cohorts (gnomAD); In silico analysis suggests that this missense variant does not alter protein structure/function; Has not been previously published as pathogenic or benign to our knowledge

NM_004837.4(GGPS1):c.790C>G (p.Leu264Val)

Gene: GGPS1 (geranylgeranyl diphosphate synthase 1; plus strand). Cytogenetic location: 1q42.3.
Variant type: single nucleotide variant.
Coding change: c.790C>G on transcript NM_004837.4 (MANE Select); coding-DNA position 790, C replaced by G.
Protein change: p.Leu264Val; replaces leucine 264 with valine.
Molecular consequence: missense variant.
Genome position (GRCh38, 1-based): chr1:235,342,659, C>G. VCF-style: chr1-235342659-C-G. GRCh37 (hg19) VCF-style: chr1-235505974-C-G.
Other names: c.790C>G, p.Leu264Val (NM_001037277.1, NM_001371477.1, NM_001371478.1); c.628C>G, p.Leu210Val (NM_001037278.2); short protein forms L264V, L210V.
Identifiers: ClinVar variation 3572678 (VCV003572678.2).